The following is an entry in ClinVar:

ClinVar aggregate classification (germline): Likely benign. Review status: reviewed by expert panel (3 of 4 stars). 4 submissions from 4 submitters: Likely benign (1). 3 of the submissions do not count toward it. Last evaluated 2024-06-25.

Conditions:
Inborn genetic diseases. Identifiers: MedGen C0950123, MeSH D030342.
Pitt-Hopkins syndrome (PTHS). Also called: ENCEPHALOPATHY, SEVERE EPILEPTIC, WITH AUTONOMIC DYSFUNCTION; MENTAL RETARDATION, SYNDROMAL, WITH INTERMITTENT HYPERVENTILATION. Identifiers: Orphanet 2896, MedGen C1970431, MONDO:0012589, OMIM 610954.

Allele frequency attached by ClinVar (database versions not stated): gnomAD 0.00001; ESP Exome Variant Server 0.00008.
gnomAD v4.1: 1 of 1,613,798 alleles (0.000062%); highest among the groups gnomAD compares: Non-Finnish European, 0.000085%; no homozygotes.

Submissions (4):

ClinGen Rett and Angelman-like Disorders Variant Curation Expert Panel
Classification: Likely benign for Pitt-Hopkins syndrome. Last evaluated: 2024-06-25. Review status: reviewed by expert panel. Criteria: ClinGen RettAS ACMG Specifications TCF4 V3.0.0. Collection method: curation. Allele origin: germline. Inheritance: Autosomal dominant inheritance.
Comment: The highest population minor allele frequency of the p.Pro236Ala variant in TCF4 in gnomAD v4.1 is 0.00000062 in the European (non-Finnish) population (not sufficient to meet BS1 criteria). The p.Pro236Ala variant is observed in at least 2 unaffected individuals (Internal database - GeneDx, Internal database - Ambry) (BS2). Computational analysis prediction tools suggest that the p.Pro236Ala variant does not have a deleterious impact; however this information does not predict clinical significance on its own (BP4). In summary, the p.Pro236Ala variant in TCF4 is classified as a likely benign variant based on the ACMG/AMP criteria (BS2, BP4).

Labcorp Genetics (formerly Invitae), Labcorp
Classification: Uncertain significance for Pitt-Hopkins syndrome. Last evaluated: 2024-01-14. Review status: criteria provided, single submitter. Criteria: Invitae Variant Classification Sherloc (09022015). Collection method: clinical testing. Allele origin: germline. Not counted in ClinVar's aggregate classification.
Comment: This sequence change replaces proline, which is neutral and non-polar, with alanine, which is neutral and non-polar, at codon 236 of the TCF4 protein (p.Pro236Ala). This variant is not present in population databases (gnomAD no frequency). This variant has not been reported in the literature in individuals affected with TCF4-related conditions. ClinVar contains an entry for this variant (Variation ID: 373746). Advanced modeling of protein sequence and biophysical properties (such as structural, functional, and spatial information, amino acid conservation, physicochemical variation, residue mobility, and thermodynamic stability) performed at Invitae indicates that this missense variant is not expected to disrupt TCF4 protein function with a negative predictive value of 95%. In summary, the available evidence is currently insufficient to determine the role of this variant in disease. Therefore, it has been classified as a Variant of Uncertain Significance.

Ambry Genetics
Classification: Likely benign for Inborn genetic diseases. Last evaluated: 2017-06-28. Review status: criteria provided, single submitter. Criteria: Ambry Variant Classification Scheme 2023. Collection method: clinical testing. Allele origin: germline. Not counted in ClinVar's aggregate classification.

GeneDx
Classification: Uncertain significance. Last evaluated: 2016-12-06. Review status: criteria provided, single submitter. Criteria: GeneDx Variant Classification (06012015). Collection method: clinical testing. Allele origin: germline. Affected: yes. Not counted in ClinVar's aggregate classification.
Comment: A variant of uncertain significance has been identified in the TCF4 gene. The P236A variant has not been published as a pathogenic variant, nor has it been reported as a benign variant to our knowledge. The P236A variant is not observed at a significant frequency in large population cohorts (Lek et al., 2016; 1000 Genomes Consortium et al., 2015; Exome Variant Server. The P236A variant is a semi-conservative amino acid substitution, which may impact secondary protein structure as these residues differ in some properties. This substitution occurs at a position that is conserved in mammals. However, P236A is not located in a known functional domain, whereas all previously published pathogenic missense variants have been identified in the functional domains of the TCF4 protein (Whalen et al., 2012). In silico analysis is inconsistent in its predictions as to whether or not the variant is damaging to the protein structure/function.Therefore, based on the currently available information, it is unclear whether this variant is a pathogenic variant or a rare benign variant.

NM_001083962.2(TCF4):c.706C>G (p.Pro236Ala)

Gene: TCF4 (transcription factor 4; minus strand). Cytogenetic location: 18q21.2.
Variant type: single nucleotide variant.
Coding change: c.706C>G on transcript NM_001083962.2 (MANE Select); coding-DNA position 706, C replaced by G.
Protein change: p.Pro236Ala; replaces proline 236 with alanine.
Molecular consequence: missense variant.
Genome position (GRCh38, 1-based): chr18:55,275,702, G>C on the plus strand (C>G on the coding strand, the complement: TCF4 is on the minus strand). VCF-style: chr18-55275702-G-C. GRCh37 (hg19) VCF-style: chr18-52942933-G-C.
Other names: NM_001083962.2(TCF4):c.706C>G; p.Pro236Ala; c.700C>G, p.Pro234Ala (NM_001243230.2); c.1012C>G, p.Pro338Ala (NM_001243226.3); c.634C>G, p.Pro212Ala (NM_001243227.2, NM_001348217.1, NM_001348218.2 and 9 more transcripts); c.724C>G, p.Pro242Ala (NM_001243228.2); c.580C>G, p.Pro194Ala (NM_001243231.2, NM_001348211.2); c.493C>G, p.Pro165Ala (NM_001243232.1, NM_001306208.1); and 6 more; short protein forms P236A, P106A, P165A, P194A, P20A, P234A, P76A, P235A.
Identifiers: ClinVar variation 373746 (VCV000373746.7), dbSNP rs139859596, ClinGen allele CA16043067.
Genomic context (GRCh38, chr18:55,275,702, plus strand): 5'-TACAGTAGCTGCTGGACTGTGGAATATGAGAAGAGTTGCCCAACATTCCTGCATAGCCAG[G>C]CTGATTCATCCCACTGGAGGAGCTCCAAGGGTCACTGCTGTGATGGCCATCTGTAAAGGA-3'
Protein context (NP_001077431.1, residues 226-246): PWSSSSGMNQ[Pro236Ala]GYAGMLGNSS